The following is an entry in ClinVar:

ClinVar aggregate classification (germline): Uncertain significance (1 of 4 stars; one submission).

Conditions:
Malignant hyperthermia, susceptibility to, 1 (MHS1). Also called: Anesthesia related hyperthermia; Malignant hyperpyrexia; Fulminating hyperpyrexia; Pharmacogenic myopathy; RYR1-Related Malignant Hyperthermia Susceptibility; Malignant hyperthermia suceptibility 1. Identifiers: Orphanet 423, MedGen C2930980, MONDO:0007783, OMIM 145600.

Submission:

All of Us Research Program, National Institutes of Health
Classification: Uncertain significance for Malignant hyperthermia, susceptibility to, 1. Last evaluated: 2023-10-02. Review status: criteria provided, single submitter. Criteria: ACMG Guidelines, 2015. Collection method: clinical testing. Allele origin: germline. Inheritance: Autosomal dominant inheritance. Observed: 1 variant allele, 1 heterozygote.
Comment: This missense variant replaces glutamic acid with glutamine at codon 2292 of the RYR1 protein. Computational prediction suggests that this variant may have deleterious impact on protein structure and function (internally defined REVEL score threshold >= 0.7, PMID: 27666373). To our knowledge, functional studies have not been reported for this variant. This variant has not been reported in individuals affected with RYR1-related disorders in the literature. This variant has not been identified in the general population by the Genome Aggregation Database (gnomAD). The available evidence is insufficient to determine the role of this variant in disease conclusively. Therefore, this variant is classified as a Variant of Uncertain Significance.

This study involves interpretation of variants in research participants for the purpose of population health screening. Participant phenotype was not available at the time of variant classification. Additional details can be found in publication PMID: 35346344, PMCID: PMC8962531

NM_000540.3(RYR1):c.6874G>C (p.Glu2292Gln)

Gene: RYR1 (ryanodine receptor 1; plus strand). Cytogenetic location: 19q13.2.
Variant type: single nucleotide variant.
Coding change: c.6874G>C on transcript NM_000540.3 (MANE Select); coding-DNA position 6874, G replaced by C.
Protein change: p.Glu2292Gln; replaces glutamic acid 2292 with glutamine.
Molecular consequence: missense variant.
Genome position (GRCh38, 1-based): chr19:38,496,937, G>C. VCF-style: chr19-38496937-G-C. GRCh37 (hg19) VCF-style: chr19-38987577-G-C.
Other names: c.6874G>C, p.Glu2292Gln (NM_001042723.2); short protein forms E2292Q.
Identifiers: ClinVar variation 3073558 (VCV003073558.1), dbSNP rs2514295007, ClinGen allele CA405666620.